The following is an entry in ClinVar:

ClinVar aggregate classification (germline): Pathogenic (1 of 4 stars; one submission).

Conditions:
Heterotopia, periventricular, X-linked dominant (PVNH1). Also called: PERIVENTRICULAR NODULAR HETEROTOPIA 4; HETEROTOPIA, PERIVENTRICULAR, 1; PERIVENTRICULAR NODULAR HETEROTOPIA 1; X-linked periventricular heterotopia. Identifiers: Orphanet 2149, Orphanet 82004, MedGen C1848213, MONDO:0010233, OMIM 300049.
Oto-palato-digital syndrome, type II (OPD2). Also called: Otopalatodigital Syndrome, Type II; Otopalatodigital Syndrome Type 2 (FLNA-OPD2); FACIOPALATOOSSEOUS SYNDROME; OPD II SYNDROME. Identifiers: Orphanet 669, Orphanet 90652, MedGen C1844696, MONDO:0010571, OMIM 304120.
Melnick-Needles syndrome (MNS). Also called: Melnick-Needles Syndrome (FLNA-MNS); MELNICK-NEEDLES OSTEODYSPLASTY; OSTEODYSPLASTY OF MELNICK AND NEEDLES. Identifiers: Orphanet 2484, MedGen C0025237, MONDO:0010650, OMIM 309350.
Frontometaphyseal dysplasia (FMD1). Identifiers: Orphanet 1826, MedGen C0265293, MONDO:0015942.

Submission:

Labcorp Genetics (formerly Invitae), Labcorp
Classification: Pathogenic for Oto-palato-digital syndrome, type II; Heterotopia, periventricular, X-linked dominant; Frontometaphyseal dysplasia; Melnick-Needles syndrome. Last evaluated: 2019-11-13. Review status: criteria provided, single submitter. Criteria: Invitae Variant Classification Sherloc (09022015). Collection method: clinical testing. Allele origin: germline.
Comment: For these reasons, this variant has been classified as Pathogenic. Loss-of-function variants in FLNA are known to be pathogenic (PMID: 16684786, 20730588, 26471271). This variant has been observed in individual(s) with clinical features of periventricular nodular heterotopia (PMID: 26471271). This variant is not present in population databases (ExAC no frequency). This sequence change creates a premature translational stop signal (p.Gln363*) in the FLNA gene. It is expected to result in an absent or disrupted protein product.

Literature cited by the submitters: PubMed 16684786; PubMed 20730588; PubMed 26471271.

NM_001110556.2(FLNA):c.1087C>T (p.Gln363Ter)

Gene: FLNA (filamin A; minus strand). Cytogenetic location: Xq28.
Variant type: single nucleotide variant.
Coding change: c.1087C>T on transcript NM_001110556.2 (MANE Select); coding-DNA position 1087, C replaced by T.
Protein change: p.Gln363Ter; replaces glutamine 363 with a stop codon.
Molecular consequence: nonsense.
Genome position (GRCh38, 1-based): chrX:154,366,449, G>A on the plus strand (C>T on the coding strand, the complement: FLNA is on the minus strand). VCF-style: chrX-154366449-G-A. GRCh37 (hg19) VCF-style: chrX-153594817-G-A.
Other names: c.1087C>T, p.Gln363Ter (NM_001456.4); short protein forms Q363*.
Identifiers: ClinVar variation 967048 (VCV000967048.10), dbSNP rs2067761804, ClinGen allele CA415246765.
Genomic context (GRCh38, chrX:154,366,449, plus strand): 5'-TGCTGGCGTCACCCTGTGACTTATCCACGTACACCTCGAAGGGGCTCTTGGCGATGTGCT[G>A]GCCAGCAAAGAGCACAGTAACCTGTCCCCAGAAGGGTGGGCCGTGAGGGTAGGGCTGGGG-3'